The following is an entry in ClinVar:

NM_001365999.1(SZT2):c.6521C>T (p.Thr2174Met)

Gene: SZT2 (SZT2 subunit of KICSTOR complex; plus strand). Cytogenetic location: 1p34.2.
Variant type: single nucleotide variant.
Coding change: c.6521C>T on transcript NM_001365999.1 (MANE Select); coding-DNA position 6521, C replaced by T.
Protein change: p.Thr2174Met; replaces threonine 2174 with methionine.
Molecular consequence: missense variant.
Genome position (GRCh38, 1-based): chr1:43,438,711, C>T. VCF-style: chr1-43438711-C-T. GRCh37 (hg19) VCF-style: chr1-43904382-C-T.
Other names: c.6350C>T, p.Thr2117Met (NM_015284.4); short protein forms T2174M, T2117M.
Identifiers: ClinVar variation 2203367 (VCV002203367.2), dbSNP rs757630324, ClinGen allele CA809932.

ClinVar aggregate classification (germline): Uncertain significance (1 of 4 stars; one submission).

Allele frequency attached by ClinVar (database versions not stated): gnomAD exomes below 0.00001; gnomAD 0.00001; TOPMed 0.00001; ExAC 0.00002.
gnomAD v4.1: 8 of 1,613,912 alleles (0.0005%); highest among the groups gnomAD compares: African/African-American, 0.0027%; no homozygotes.

Submission:

Labcorp Genetics (formerly Invitae), Labcorp
Classification: Uncertain significance. Last evaluated: 2022-07-11. Review status: criteria provided, single submitter. Criteria: Invitae Variant Classification Sherloc (09022015). Collection method: clinical testing. Allele origin: germline.
Comment: In summary, the available evidence is currently insufficient to determine the role of this variant in disease. Therefore, it has been classified as a Variant of Uncertain Significance. Algorithms developed to predict the effect of missense changes on protein structure and function are either unavailable or do not agree on the potential impact of this missense change (SIFT: "Tolerated"; PolyPhen-2: "Probably Damaging"; Align-GVGD: "Class C0"). This variant has not been reported in the literature in individuals affected with SZT2-related conditions. This variant is present in population databases (rs757630324, gnomAD 0.007%). This sequence change replaces threonine, which is neutral and polar, with methionine, which is neutral and non-polar, at codon 2117 of the SZT2 protein (p.Thr2117Met).